The following is an entry in ClinVar:

ClinVar aggregate classification (germline): Uncertain significance. Review status: criteria provided, multiple submitters, no conflicts (2 of 4 stars). 2 submissions from 2 submitters: Uncertain significance (2). Last evaluated 2025-10-27.

Conditions:
Neurofibromatosis, type 1 (NF1). Also called: NEUROFIBROMATOSIS, TYPE I, SOMATIC; VON RECKLINGHAUSEN DISEASE; Peripheral type neurofibromatosis; Neurofibromatosis, type I. Identifiers: Orphanet 636, MedGen C0027831, MONDO:0018975, OMIM 162200. Disease mechanism: loss of function.
Cardiovascular phenotype. Identifiers: MedGen CN230736.
Hereditary cancer-predisposing syndrome. Also called: Neoplastic Syndromes, Hereditary; Tumor predisposition; Hereditary Cancer Syndrome; Hereditary neoplastic syndrome. Identifiers: Orphanet 140162, MedGen C0027672, MeSH D009386, MONDO:0015356.

Submissions (2):

Helix
Classification: Uncertain significance for Neurofibromatosis, type 1. Last evaluated: 2025-10-27. Review status: criteria provided, single submitter. Criteria: ACMG Guidelines, 2015. Collection method: clinical testing. Allele origin: germline. Inheritance: Autosomal dominant inheritance.
Comment: This variant (NM_001042492.3:c.7603A>G p.Lys2535Glu) results in the substitution of lysine with glutamic acid at codon 2535 in the NF1 protein. It is a rare variant that is absent from the large gnomAD population database (v4.1). To our knowledge, this variant has not been reported in individuals with NF1-related conditions in the published literature. In silico prediction from REVEL (PMID: 27666373) suggests that this variant may be benign. This variant is present in ClinVar (Variation ID: 2478756). In conclusion, since the available evidence is limited, the clinical significance of this variant is unclear at this time. Therefore, it is classified as a Variant of Uncertain Significance.

Ambry Genetics
Classification: Uncertain significance for Cardiovascular phenotype; Hereditary cancer-predisposing syndrome. Last evaluated: 2022-12-03. Review status: criteria provided, single submitter. Criteria: Ambry Variant Classification Scheme 2023. Collection method: clinical testing. Allele origin: germline.
Comment: The p.K2514E variant (also known as c.7540A>G), located in coding exon 50 of the NF1 gene, results from an A to G substitution at nucleotide position 7540. The lysine at codon 2514 is replaced by glutamic acid, an amino acid with similar properties. This amino acid position is conserved. In addition, this alteration is predicted to be tolerated by in silico analysis. Since supporting evidence is limited at this time, the clinical significance of this alteration remains unclear.

NM_001042492.3(NF1):c.7603A>G (p.Lys2535Glu)

Gene: NF1 (neurofibromin 1; plus strand). Cytogenetic location: 17q11.2.
Variant type: single nucleotide variant.
Coding change: c.7603A>G on transcript NM_001042492.3 (MANE Select); coding-DNA position 7603, A replaced by G.
Protein change: p.Lys2535Glu; replaces lysine 2535 with glutamic acid.
Molecular consequence: missense variant.
Genome position (GRCh38, 1-based): chr17:31,352,402, A>G. VCF-style: chr17-31352402-A-G. GRCh37 (hg19) VCF-style: chr17-29679420-A-G.
Other names: c.7540A>G, p.Lys2514Glu (NM_000267.4); short protein forms K2535E, K2514E.
Identifiers: ClinVar variation 2478756 (VCV002478756.3), dbSNP rs2070172476, ClinGen allele CA399017856.